The following is an entry in ClinVar:

NM_138387.4(G6PC3):c.510C>G (p.His170Gln)

Gene: G6PC3 (glucose-6-phosphatase catalytic subunit 3; plus strand). Cytogenetic location: 17q21.31.
Variant type: single nucleotide variant.
Coding change: c.510C>G on transcript NM_138387.4 (MANE Select); coding-DNA position 510, C replaced by G.
Protein change: p.His170Gln; replaces histidine 170 with glutamine.
Molecular consequence: missense variant. On other transcripts: intron variant (1).
Genome position (GRCh38, 1-based): chr17:44,075,062, C>G. VCF-style: chr17-44075062-C-G. GRCh37 (hg19) VCF-style: chr17-42152430-C-G.
Other names: c.165C>G, p.His55Gln (NM_001384165.1, NM_001384166.1, NM_001384167.1 and 1 more transcripts); c.417-248C>G (NM_001319945.2); short protein forms H170Q, H55Q.
Identifiers: ClinVar variation 4027615 (VCV004027615.1).

ClinVar aggregate classification (germline): Uncertain significance (1 of 4 stars; one submission).

Conditions:
Inborn genetic diseases. Identifiers: MedGen C0950123, MeSH D030342.

gnomAD v4.1: 8 of 1,613,990 alleles (0.0005%); highest among the groups gnomAD compares: Non-Finnish European, 0.00068%; no homozygotes.

Submission:

Ambry Genetics
Classification: Uncertain significance for Inborn genetic diseases. Last evaluated: 2025-05-28. Review status: criteria provided, single submitter. Criteria: Ambry Variant Classification Scheme 2023. Collection method: clinical testing. Allele origin: germline.
Comment: The p.H170Q variant (also known as c.510C>G), located in coding exon 4 of the G6PC3 gene, results from a C to G substitution at nucleotide position 510. The histidine at codon 170 is replaced by glutamine, an amino acid with highly similar properties. This amino acid position is conserved. In addition, this alteration is predicted to be deleterious by in silico analysis. Based on the available evidence, the clinical significance of this variant remains unclear.